The following is an entry in ClinVar:

ClinVar aggregate classification (germline): Conflicting classifications of pathogenicity. Review status: criteria provided, conflicting classifications (1 of 4 stars). 3 submissions from 3 submitters: Uncertain significance (2); Likely benign (1). Last evaluated 2025-10-29.

Conditions:
Hereditary cancer-predisposing syndrome. Also called: Hereditary Cancer Syndrome; Hereditary neoplastic syndrome; Neoplastic Syndromes, Hereditary; Tumor predisposition. Identifiers: Orphanet 140162, MedGen C0027672, MeSH D009386, MONDO:0015356.
Hereditary breast ovarian cancer syndrome. Also called: Hereditary breast and ovarian cancer; Breast and ovarian cancer; Hereditary breast and ovarian cancer syndrome; Hereditary breast and/or ovarian cancer syndrome; BRCA1- and BRCA2-Associated Hereditary Breast and Ovarian Cancer; Hereditary breast and ovarian cancer syndrome (HBOC). Identifiers: Orphanet 145, MedGen C0677776, MeSH D061325, MONDO:0003582. Disease mechanism: loss of function.

Submissions (3):

Labcorp Genetics (formerly Invitae), Labcorp
Classification: Uncertain significance for Hereditary breast ovarian cancer syndrome. Last evaluated: 2025-10-29. Review status: criteria provided, single submitter. Criteria: Invitae Variant Classification Sherloc (09022015). Collection method: clinical testing. Allele origin: germline.
Comment: This sequence change replaces asparagine, which is neutral and polar, with isoleucine, which is neutral and non-polar, at codon 1049 of the BRCA2 protein (p.Asn1049Ile). This variant is not present in population databases (gnomAD no frequency). This variant has not been reported in the literature in individuals affected with BRCA2-related conditions. ClinVar contains an entry for this variant (Variation ID: 441368). Invitae Evidence Modeling of protein sequence and biophysical properties (such as structural, functional, and spatial information, amino acid conservation, physicochemical variation, residue mobility, and thermodynamic stability) indicates that this missense variant is not expected to disrupt BRCA2 protein function with a negative predictive value of 95%. In summary, the available evidence is currently insufficient to determine the role of this variant in disease. Therefore, it has been classified as a Variant of Uncertain Significance.

University of Washington Department of Laboratory Medicine, University of Washington
Classification: Likely benign for Hereditary cancer-predisposing syndrome. Last evaluated: 2023-03-23. Review status: criteria provided, single submitter. Criteria: Dines et al. (Genet Med. 2020). Collection method: curation. Allele origin: germline.
Comment: Missense variant in a coldspot region where missense variants are very unlikely to be pathogenic (PMID:31911673).

BRCA2 exon 11 coldspot. Reclassification based on statistical prior probability.

Ambry Genetics
Classification: Uncertain significance for Hereditary cancer-predisposing syndrome. Last evaluated: 2016-12-12. Review status: criteria provided, single submitter. Criteria: Ambry Variant Classification Scheme 2023. Collection method: clinical testing. Allele origin: germline.
Comment: The p.N1049I variant (also known as c.3146A>T), located in coding exon 10 of the BRCA2 gene, results from an A to T substitution at nucleotide position 3146. The asparagine at codon 1049 is replaced by isoleucine, an amino acid with dissimilar properties. This amino acid position is well conserved in available vertebrate species. In addition, this alteration is predicted to be tolerated by in silico analysis. Since supporting evidence is limited at this time, the clinical significance of this alteration remains unclear.

NM_000059.4(BRCA2):c.3146A>T (p.Asn1049Ile)

Gene: BRCA2 (BRCA2 DNA repair associated; plus strand). Cytogenetic location: 13q13.1.
Variant type: single nucleotide variant.
Coding change: c.3146A>T on transcript NM_000059.4 (MANE Select); coding-DNA position 3146, A replaced by T.
Protein change: p.Asn1049Ile; replaces asparagine 1049 with isoleucine.
Molecular consequence: missense variant.
Genome position (GRCh38, 1-based): chr13:32,337,501, A>T. VCF-style: chr13-32337501-A-T. GRCh37 (hg19) VCF-style: chr13-32911638-A-T.
Other names: short protein forms N1049I.
Identifiers: ClinVar variation 441368 (VCV000441368.14), dbSNP rs1555283064, ClinGen allele CA387775759.